The following is an entry in ClinVar:

NM_000535.7(PMS2):c.1774C>T (p.Gln592Ter)

Gene: PMS2 (PMS1 homolog 2, mismatch repair system component; minus strand). Cytogenetic location: 7p22.1.
Variant type: single nucleotide variant.
Coding change: c.1774C>T on transcript NM_000535.7 (MANE Select); coding-DNA position 1774, C replaced by T.
Protein change: p.Gln592Ter; replaces glutamine 592 with a stop codon.
Molecular consequence: nonsense. On other transcripts: non-coding transcript variant (1), intron variant (1).
Genome position (GRCh38, 1-based): chr7:5,986,991, G>A on the plus strand (C>T on the coding strand, the complement: PMS2 is on the minus strand). VCF-style: chr7-5986991-G-A. GRCh37 (hg19) VCF-style: chr7-6026622-G-A.
Other names: c.1369C>T, p.Gln457Ter (NM_001018040.1, NM_001322003.2, NM_001322004.2 and 17 more transcripts); c.1618C>T, p.Gln540Ter (NM_001322006.2, NM_001406870.1); c.1456C>T, p.Gln486Ter (NM_001322007.2, NM_001322008.2, NM_001406883.1 and 2 more transcripts); c.1213C>T, p.Gln405Ter (NM_001322010.2, NM_001406906.1, NM_001406907.1); c.841C>T, p.Gln281Ter (NM_001322011.2, NM_001322012.2); c.1201C>T, p.Gln401Ter (NM_001322013.2, NM_001406909.1); c.1774C>T, p.Gln592Ter (NM_001322014.2, NM_001406871.1, NM_001406872.1); c.1465C>T, p.Gln489Ter (NM_001322015.2, NM_001406879.1, NM_001406880.1 and 5 more transcripts); and 13 more; short protein forms Q401*, Q437*, Q470*, Q489*, Q526*, Q592*, Q654*, Q281*.
Identifiers: ClinVar variation 2811091 (VCV002811091.3), dbSNP rs63750994, ClinGen allele CA153227671.

ClinVar aggregate classification (germline): Pathogenic (1 of 4 stars; one submission).

Conditions:
Hereditary nonpolyposis colorectal neoplasms. Identifiers: MedGen C0009405, MeSH D003123.

Submission:

Labcorp Genetics (formerly Invitae), Labcorp
Classification: Pathogenic for Hereditary nonpolyposis colorectal neoplasms. Last evaluated: 2023-08-10. Review status: criteria provided, single submitter. Criteria: Invitae Variant Classification Sherloc (09022015). Collection method: clinical testing. Allele origin: germline.
Comment: For these reasons, this variant has been classified as Pathogenic. This variant has not been reported in the literature in individuals affected with PMS2-related conditions. This variant is not present in population databases (gnomAD no frequency). This sequence change creates a premature translational stop signal (p.Gln592*) in the PMS2 gene. It is expected to result in an absent or disrupted protein product. Loss-of-function variants in PMS2 are known to be pathogenic (PMID: 21376568, 24362816).

Literature cited by the submitters: PubMed 21376568; PubMed 24362816.